The following is an entry in ClinVar:

NM_057176.3(BSND):c.910G>A (p.Gly304Arg)

Gene: BSND (barttin CLCNK type accessory subunit beta; plus strand). Cytogenetic location: 1p32.3.
Variant type: single nucleotide variant.
Coding change: c.910G>A on transcript NM_057176.3 (MANE Select); coding-DNA position 910, G replaced by A.
Protein change: p.Gly304Arg; replaces glycine 304 with arginine.
Molecular consequence: missense variant.
Genome position (GRCh38, 1-based): chr1:55,008,575, G>A. VCF-style: chr1-55008575-G-A. GRCh37 (hg19) VCF-style: chr1-55474248-G-A.
Other names: short protein forms G304R.
Identifiers: ClinVar variation 2174567 (VCV002174567.2), dbSNP rs780389770, ClinGen allele CA871445.

ClinVar aggregate classification (germline): Uncertain significance. Review status: criteria provided, multiple submitters, no conflicts (2 of 4 stars). 2 submissions from 2 submitters: Uncertain significance (2). Last evaluated 2025-05-01.

Conditions:
Bartter disease type 4A. Also called: BARTTER SYNDROME, TYPE 4A, NEONATAL, WITH SENSORINEURAL DEAFNESS; BARTTER SYNDROME, NEONATAL, WITH SENSORINEURAL DEAFNESS. Identifiers: Orphanet 112, MedGen C1865270, MONDO:0011242, OMIM 602522.

Allele frequency attached by ClinVar (database versions not stated): gnomAD 0.00001; TOPMed 0.00001; ExAC 0.00003.
gnomAD v4.1: 23 of 1,613,990 alleles (0.0014%); highest among the groups gnomAD compares: East Asian, 0.011%; no homozygotes.

Submissions (2):

Rare Kidney Stone Consortium and the Mayo Clinic Hyperoxaluria Center, Mayo Clinic
Classification: Uncertain significance for Bartter disease type 4A. Last evaluated: 2025-05-01. Review status: criteria provided, single submitter. Criteria: ACMG Guidelines, 2015. Collection method: research. Allele origin: germline.
Comment: ACMG: PM2

heterozygote

Labcorp Genetics (formerly Invitae), Labcorp
Classification: Uncertain significance. Last evaluated: 2022-07-09. Review status: criteria provided, single submitter. Criteria: Invitae Variant Classification Sherloc (09022015). Collection method: clinical testing. Allele origin: germline.
Comment: This sequence change replaces glycine, which is neutral and non-polar, with arginine, which is basic and polar, at codon 304 of the BSND protein (p.Gly304Arg). This variant is present in population databases (rs780389770, gnomAD 0.02%). This variant has not been reported in the literature in individuals affected with BSND-related conditions. Algorithms developed to predict the effect of missense changes on protein structure and function are either unavailable or do not agree on the potential impact of this missense change (SIFT: "Deleterious"; PolyPhen-2: "Probably Damaging"; Align-GVGD: "Class C0"). In summary, the available evidence is currently insufficient to determine the role of this variant in disease. Therefore, it has been classified as a Variant of Uncertain Significance.

Literature cited by the submitters: PubMed 35982159 (cited by Rare Kidney Stone Consortium and the Mayo Clinic Hyperoxaluria Center, Mayo Clinic); PubMed 33057194 (cited by Rare Kidney Stone Consortium and the Mayo Clinic Hyperoxaluria Center, Mayo Clinic); PubMed 34805638 (cited by Rare Kidney Stone Consortium and the Mayo Clinic Hyperoxaluria Center, Mayo Clinic).